The following is an entry in ClinVar:

NM_001394807.1(ADPRHL1):c.1665C>A (p.Phe555Leu)

Gene: ADPRHL1 (ADP-ribosylhydrolase like 1; minus strand). Cytogenetic location: 13q34.
Variant type: single nucleotide variant.
Coding change: c.1665C>A on transcript NM_001394807.1 (MANE Select); coding-DNA position 1665, C replaced by A.
Protein change: p.Phe555Leu; replaces phenylalanine 555 with leucine.
Molecular consequence: missense variant.
Genome position (GRCh38, 1-based): chr13:113,407,617, G>T on the plus strand (C>A on the coding strand, the complement: ADPRHL1 is on the minus strand). VCF-style: chr13-113407617-G-T. GRCh37 (hg19) VCF-style: chr13-114061932-G-T.
Other names: c.573C>A, p.Phe191Leu (NM_001304433.1, NM_001375393.1); short protein forms F191L, F555L.
Identifiers: ClinVar variation 2644005 (VCV002644005.24), dbSNP rs113429647, ClinGen allele CA257193175.
Genomic context (GRCh38, chr13:113,407,617, plus strand): 5'-CCGCTCCTGCGTGTGCAGCCTCAGCGCACTGGCCTCGGAGCACAGGCAGCTGTTCTGCTC[G>T]AACTTCTCCCGCAGCTTGGACAGCACCGAGCTCTTGCCCATGATCTTCGGCAAGAGGCCC-3'
Protein context (NP_001381736.1, residues 545-565): SSVLSKLREK[Phe555Leu]EQNSCLCSEA

ClinVar aggregate classification (germline): Likely benign (1 of 4 stars; one submission).

Allele frequency attached by ClinVar (database versions not stated): 1000 Genomes Project 30x 0.00203; 1000 Genomes Project 0.00220; gnomAD 0.00554.
gnomAD v4.1: 6,480 of 1,232,118 alleles (0.53%); highest among the groups gnomAD compares: Non-Finnish European, 0.54%; 50 homozygotes.

Submission:

CeGaT Center for Human Genetics Tuebingen
Classification: Likely benign. Last evaluated: 2026-08-01. Review status: criteria provided, single submitter. Criteria: CeGaT Center For Human Genetics Tuebingen Variant Classification Criteria Version 2. Collection method: clinical testing. Allele origin: germline. Affected: yes. Observed: 8 variant alleles.
Comment: ADPRHL1: BS2